The following is an entry in ClinVar:

NM_002890.3(RASA1):c.509C>T (p.Ala170Val)

Gene: RASA1 (RAS p21 protein activator 1; plus strand). Cytogenetic location: 5q14.3.
Variant type: single nucleotide variant.
Coding change: c.509C>T on transcript NM_002890.3 (MANE Select); coding-DNA position 509, C replaced by T.
Protein change: p.Ala170Val; replaces alanine 170 with valine.
Molecular consequence: missense variant. On other transcripts: 5 prime UTR variant (1).
Genome position (GRCh38, 1-based): chr5:87,268,960, C>T. VCF-style: chr5-87268960-C-T. GRCh37 (hg19) VCF-style: chr5-86564777-C-T.
Other names: c.-88C>T (NM_022650.3); short protein forms A170V.
Identifiers: ClinVar variation 4862982 (VCV004862982.1).

ClinVar aggregate classification (germline): Uncertain significance (1 of 4 stars; one submission).

Conditions:
Cardiovascular phenotype. Identifiers: MedGen CN230736.

gnomAD v4.1: 3 of 1,614,212 alleles (0.00019%); highest among the groups gnomAD compares: South Asian, 0.0033%; no homozygotes.

Submission:

Ambry Genetics
Classification: Uncertain significance for Cardiovascular phenotype. Last evaluated: 2026-04-20. Review status: criteria provided, single submitter. Criteria: Ambry Variant Classification Scheme 2023. Collection method: clinical testing. Allele origin: germline.
Comment: The c.509C>T (p.A170V) alteration is located in exon 1 (coding exon 1) of the RASA1 gene. This alteration results from a C to T substitution at nucleotide position 509, causing the alanine (A) at amino acid position 170 to be replaced by a valine (V). Based on data from gnomAD, the T allele has an overall frequency of <0.001% (1/250374) total alleles studied. The highest observed frequency was 0.003% (1/30616) of South Asian alleles. Based on insufficient or conflicting evidence, the clinical significance of this alteration remains unclear.